The following is an entry in ClinVar:

NM_001368809.2(AMPD2):c.2089G>C (p.Glu697Gln)

Gene: AMPD2 (adenosine monophosphate deaminase 2; plus strand). Cytogenetic location: 1p13.3.
Variant type: single nucleotide variant.
Coding change: c.2089G>C on transcript NM_001368809.2 (MANE Select); coding-DNA position 2089, G replaced by C.
Protein change: p.Glu697Gln; replaces glutamic acid 697 with glutamine.
Molecular consequence: missense variant.
Genome position (GRCh38, 1-based): chr1:109,630,338, G>C. VCF-style: chr1-109630338-G-C. GRCh37 (hg19) VCF-style: chr1-110172960-G-C.
Other names: c.2251G>C (NM_001257360.1, NM_004037.6); c.1897G>C, p.Glu633Gln (NM_001257361.2); c.2026G>C, p.Glu676Gln (NM_001308170.1); c.2089G>C, p.Glu697Gln (NM_004037.9); c.2008G>C, p.Glu670Gln (NM_139156.4); short protein forms E633Q, E670Q, E676Q, E697Q.
Identifiers: ClinVar variation 2505105 (VCV002505105.3), dbSNP rs962483908, ClinGen allele CA28699496.

ClinVar aggregate classification (germline): Uncertain significance (1 of 4 stars; one submission).

Conditions:
Inborn genetic diseases. Identifiers: MedGen C0950123, MeSH D030342.
Pontocerebellar hypoplasia type 9. Identifiers: Orphanet 369920, MedGen C4014354, MONDO:0014351, OMIM 615809.
Hereditary spastic paraplegia 63. Also called: Spastic paraplegia 63, autosomal recessive. Identifiers: Orphanet 401805, MedGen C3810295, MONDO:0014305, OMIM 615686.

Allele frequency attached by ClinVar (database versions not stated): TOPMed 0.00001.
gnomAD v4.1: 39 of 1,613,990 alleles (0.0024%); highest among the groups gnomAD compares: Non-Finnish European, 0.0033%; no homozygotes.

Submission:

Ambry Genetics
Classification: Uncertain significance for Inborn genetic diseases. Last evaluated: 2025-02-01. Review status: criteria provided, single submitter. Criteria: Ambry Variant Classification Scheme 2023. Collection method: clinical testing. Allele origin: germline.